The following is an entry in ClinVar:

NM_199355.4(ADAMTS18):c.686C>A (p.Pro229Gln)

Gene: ADAMTS18 (ADAM metallopeptidase with thrombospondin type 1 motif 18; minus strand). Cytogenetic location: 16q23.1.
Variant type: single nucleotide variant.
Coding change: c.686C>A on transcript NM_199355.4 (MANE Select); coding-DNA position 686, C replaced by A.
Protein change: p.Pro229Gln; replaces proline 229 with glutamine.
Molecular consequence: missense variant.
Genome position (GRCh38, 1-based): chr16:77,367,533, G>T on the plus strand (C>A on the coding strand, the complement: ADAMTS18 is on the minus strand). VCF-style: chr16-77367533-G-T. GRCh37 (hg19) VCF-style: chr16-77401430-G-T.
Other names: c.166C>A, p.Gln56Lys (NM_001326358.2); short protein forms Q56K, P229Q.
Identifiers: ClinVar variation 2126365 (VCV002126365.4), dbSNP rs2543756718, ClinGen allele CA396824058.

ClinVar aggregate classification (germline): Uncertain significance (1 of 4 stars; one submission).

Submission:

Labcorp Genetics (formerly Invitae), Labcorp
Classification: Uncertain significance. Last evaluated: 2022-04-15. Review status: criteria provided, single submitter. Criteria: Invitae Variant Classification Sherloc (09022015). Collection method: clinical testing. Allele origin: germline.
Comment: In summary, the available evidence is currently insufficient to determine the role of this variant in disease. Therefore, it has been classified as a Variant of Uncertain Significance. Algorithms developed to predict the effect of missense changes on protein structure and function output the following: SIFT: "Not Available"; PolyPhen-2: "Benign"; Align-GVGD: "Not Available". The glutamine amino acid residue is found in multiple mammalian species, which suggests that this missense change does not adversely affect protein function. This variant has not been reported in the literature in individuals affected with ADAMTS18-related conditions. This variant is not present in population databases (gnomAD no frequency). This sequence change replaces proline, which is neutral and non-polar, with glutamine, which is neutral and polar, at codon 229 of the ADAMTS18 protein (p.Pro229Gln).